The following is an entry in ClinVar:

NM_001127222.2(CACNA1A):c.631+14C>T

Gene: CACNA1A (calcium voltage-gated channel subunit alpha1 A; minus strand). Cytogenetic location: 19p13.13.
Variant type: single nucleotide variant.
Coding change: c.631+14C>T on transcript NM_001127222.2 (MANE Select); 14 bases into the intron after coding-DNA position 631, C replaced by T.
Molecular consequence: intron variant.
Genome position (GRCh38, 1-based): chr19:13,371,674, G>A on the plus strand (C>T on the coding strand, the complement: CACNA1A is on the minus strand). VCF-style: chr19-13371674-G-A. GRCh37 (hg19) VCF-style: chr19-13482488-G-A.
Other names: c.631+14C>T (NM_001127221.2, NM_001174080.2, NM_000068.4 and 1 more transcripts).
Identifiers: ClinVar variation 668589 (VCV000668589.9), dbSNP rs1377159542, ClinGen allele CA631873966.

ClinVar aggregate classification (germline): Likely benign. Review status: criteria provided, multiple submitters, no conflicts (2 of 4 stars). 2 submissions from 2 submitters: Likely benign (2). Last evaluated 2025-10-24.

Conditions:
Developmental and epileptic encephalopathy, 42 (DEE42A). Also called: Epileptic encephalopathy, early infantile, 42; DEVELOPMENTAL AND EPILEPTIC ENCEPHALOPATHY 42A; EPILEPTIC ENCEPHALOPATHY, EARLY INFANTILE, 42A. Identifiers: MedGen C4310716, MONDO:0014917, OMIM 617106.
Episodic ataxia type 2 (EA2). Also called: ACETAZOLAMIDE-RESPONSIVE HEREDITARY PAROXYSMAL CEREBELLAR ATAXIA; ATAXIA, FAMILIAL PAROXYSMAL; CEREBELLAR ATAXIA, PAROXYSMAL, ACETAZOLAMIDE-RESPONSIVE; CEREBELLOPATHY, HEREDITARY PAROXYSMAL; EPISODIC ATAXIA, NYSTAGMUS-ASSOCIATED; ATAXIA, EPISODIC, WITH NYSTAGMUS. Identifiers: Orphanet 97, MedGen C1720416, MONDO:0007163, OMIM 108500.

Allele frequency attached by ClinVar (database versions not stated): gnomAD exomes 0.00002 and 0.00004; gnomAD 0.00003 and 0.00004; TOPMed 0.00004.
gnomAD v4.1: 62 of 1,556,790 alleles (0.004%); highest among the groups gnomAD compares: Non-Finnish European, 0.0047%; no homozygotes.

Submissions (2):

Labcorp Genetics (formerly Invitae), Labcorp
Classification: Likely benign for Developmental and epileptic encephalopathy, 42; Episodic ataxia type 2. Last evaluated: 2025-10-24. Review status: criteria provided, single submitter. Criteria: Invitae Variant Classification Sherloc (09022015). Collection method: clinical testing. Allele origin: germline.

GeneDx
Classification: Likely benign. Last evaluated: 2018-05-23. Review status: criteria provided, single submitter. Criteria: GeneDx Variant Classification (06012015). Collection method: clinical testing. Allele origin: germline. Affected: yes.
Comment: This variant is considered likely benign or benign based on one or more of the following criteria: it is a conservative change, it occurs at a poorly conserved position in the protein, it is predicted to be benign by multiple in silico algorithms, and/or has population frequency not consistent with disease.